The following is an entry in ClinVar:

ClinVar aggregate classification (germline): Benign. Review status: criteria provided, multiple submitters, no conflicts (2 of 4 stars). 2 submissions from 2 submitters: Benign (2). Last evaluated 2018-06-19.

Allele frequency attached by ClinVar (database versions not stated): gnomAD exomes 0.61456 and 0.62872; ESP Exome Variant Server 0.62525; ExAC 0.63155; gnomAD 0.63974 and 0.64015; TOPMed 0.64269; 1000 Genomes Project 0.68490; 1000 Genomes Project 30x 0.68598.
gnomAD v4.1: 976,188 of 1,580,378 alleles (62%); highest among the groups gnomAD compares: East Asian, 86%; 304,279 homozygotes.

Submissions (2):

GeneDx
Classification: Benign. Last evaluated: 2018-06-19. Review status: criteria provided, single submitter. Criteria: GeneDx Variant Classification (06012015). Collection method: clinical testing. Allele origin: germline. Affected: yes.
Comment: This variant is considered likely benign or benign based on one or more of the following criteria: it is a conservative change, it occurs at a poorly conserved position in the protein, it is predicted to be benign by multiple in silico algorithms, and/or has population frequency not consistent with disease.

Breakthrough Genomics
Classification: Benign. Review status: criteria provided, single submitter. Criteria: ACMG Guidelines, 2015. Collection method: not provided. Allele origin: germline. Inheritance: Autosomal recessive inheritance. Affected: yes.

NM_002291.3(LAMB1):c.3392-36T>C

Gene: LAMB1 (laminin subunit beta 1; minus strand). Cytogenetic location: 7q31.1.
Variant type: single nucleotide variant.
Coding change: c.3392-36T>C on transcript NM_002291.3 (MANE Select); 36 bases into the intron before coding-DNA position 3392, T replaced by C.
Molecular consequence: intron variant.
Genome position (GRCh38, 1-based): chr7:107,940,394, A>G on the plus strand (T>C on the coding strand, the complement: LAMB1 is on the minus strand). VCF-style: chr7-107940394-A-G. GRCh37 (hg19) VCF-style: chr7-107580839-A-G.
Identifiers: ClinVar variation 682979 (VCV000682979.2), dbSNP rs2158836, ClinGen allele CA4435327.